The following is an entry in ClinVar:

NM_001478.5(B4GALNT1):c.326C>A (p.Ala109Glu)

Gene: B4GALNT1 (beta-1,4-N-acetyl-galactosaminyltransferase 1; minus strand). Cytogenetic location: 12q13.3.
Variant type: single nucleotide variant.
Coding change: c.326C>A on transcript NM_001478.5 (MANE Select); coding-DNA position 326, C replaced by A.
Protein change: p.Ala109Glu; replaces alanine 109 with glutamic acid.
Molecular consequence: missense variant. On other transcripts: intron variant (1).
Genome position (GRCh38, 1-based): chr12:57,631,257, G>T on the plus strand (C>A on the coding strand, the complement: B4GALNT1 is on the minus strand). VCF-style: chr12-57631257-G-T. GRCh37 (hg19) VCF-style: chr12-58025040-G-T.
Other names: c.326C>A, p.Ala109Glu (NM_001276469.2); c.219-171C>A (NM_001276468.2); short protein forms A109E.
Identifiers: ClinVar variation 664290 (VCV000664290.9), dbSNP rs575817773, ClinGen allele CA6655827.

ClinVar aggregate classification (germline): Uncertain significance (1 of 4 stars; one submission).

Conditions:
Spastic paraplegia. Identifiers: MedGen C0037772, HP:0001258.

Allele frequency attached by ClinVar (database versions not stated): gnomAD exomes 0.00001 and 0.00003; 1000 Genomes Project 0.00020; ExAC 0.00002; gnomAD 0.00005 and 0.00006; TOPMed 0.00006; 1000 Genomes Project 30x 0.00031.
gnomAD v4.1: 19 of 1,614,176 alleles (0.0012%); highest among the groups gnomAD compares: African/African-American, 0.015%; no homozygotes.

Submission:

Labcorp Genetics (formerly Invitae), Labcorp
Classification: Uncertain significance for Spastic paraplegia. Last evaluated: 2018-12-11. Review status: criteria provided, single submitter. Criteria: Invitae Variant Classification Sherloc (09022015). Collection method: clinical testing. Allele origin: germline.
Comment: In summary, the available evidence is currently insufficient to determine the role of this variant in disease. Therefore, it has been classified as a Variant of Uncertain Significance. Algorithms developed to predict the effect of missense changes on protein structure and function output the following: SIFT: "Tolerated"; PolyPhen-2: "Benign"; Align-GVGD: "Class C0". The glutamic acid amino acid residue is found in multiple mammalian species, suggesting that this missense change does not adversely affect protein function. These predictions have not been confirmed by published functional studies and their clinical significance is uncertain. This variant has not been reported in the literature in individuals with B4GALNT1-related conditions. This variant is present in population databases (rs575817773, ExAC 0.01%). This sequence change replaces alanine with glutamic acid at codon 109 of the B4GALNT1 protein (p.Ala109Glu). The alanine residue is weakly conserved and there is a moderate physicochemical difference between alanine and glutamic acid.